The following is an entry in ClinVar:

NM_016333.4(SRRM2):c.2002C>A (p.Arg668Ser)

Gene: SRRM2 (serine/arginine repetitive matrix 2; plus strand). Cytogenetic location: 16p13.3.
Variant type: single nucleotide variant.
Coding change: c.2002C>A on transcript NM_016333.4 (MANE Select); coding-DNA position 2002, C replaced by A.
Protein change: p.Arg668Ser; replaces arginine 668 with serine.
Molecular consequence: missense variant.
Genome position (GRCh38, 1-based): chr16:2,762,530, C>A. VCF-style: chr16-2762530-C-A. GRCh37 (hg19) VCF-style: chr16-2812531-C-A.
Other names: short protein forms R668S.
Identifiers: ClinVar variation 2631671 (VCV002631671.1), dbSNP rs545913127, ClinGen allele CA394410401.
Genomic context (GRCh38, chr16:2,762,530, plus strand): 5'-CGCTCTAGAACCCCAGCTAGACGTGGCCGCTCACGCTCCAGAACCCCAGCCAGACGTGGC[C>A]GCTCACGCTCTAGAACCCCAGCTAGACGCAGTGGTCGCTCACGCTCCAGAACACCAGCCA-3'
Protein context (NP_057417.3, residues 658-678): SRSRTPARRG[Arg668Ser]SRSRTPARRS

ClinVar aggregate classification (germline): Uncertain significance (1 of 4 stars; one submission).

Conditions:
SRRM2-related disorder. Also called: SRRM2-related condition.

gnomAD v4.1: 1 of 1,613,654 alleles (0.000062%); highest among the groups gnomAD compares: African/African-American, 0.0013%; no homozygotes.

Submission:

PreventionGenetics, part of Exact Sciences
Classification: Uncertain significance for SRRM2-related condition. Last evaluated: 2023-09-19. Review status: criteria provided, single submitter. Criteria: ACMG Guidelines, 2015. Collection method: clinical testing. Allele origin: germline.
Comment: The SRRM2 c.2002C>A variant is predicted to result in the amino acid substitution p.Arg668Ser. To our knowledge, this variant has not been reported in the literature or in a large population database, indicating this variant is rare. At this time, the clinical significance of this variant is uncertain due to the absence of conclusive functional and genetic evidence.